The following is an entry in ClinVar:

NM_002485.5(NBN):c.1378C>A (p.Gln460Lys)

Gene: NBN (nibrin; minus strand). Cytogenetic location: 8q21.3.
Variant type: single nucleotide variant.
Coding change: c.1378C>A on transcript NM_002485.5 (MANE Select); coding-DNA position 1378, C replaced by A.
Protein change: p.Gln460Lys; replaces glutamine 460 with lysine.
Molecular consequence: missense variant.
Genome position (GRCh38, 1-based): chr8:89,955,302, G>T on the plus strand (C>A on the coding strand, the complement: NBN is on the minus strand). VCF-style: chr8-89955302-G-T. GRCh37 (hg19) VCF-style: chr8-90967530-G-T.
Other names: c.1132C>A, p.Gln378Lys (NM_001024688.3); short protein forms Q460K, Q378K.
Identifiers: ClinVar variation 1771212 (VCV001771212.3), dbSNP rs2129716945, ClinGen allele CA371655990.

ClinVar aggregate classification (germline): Uncertain significance (1 of 4 stars; one submission).

Conditions:
Hereditary cancer-predisposing syndrome. Also called: Hereditary Cancer Syndrome; Hereditary neoplastic syndrome; Neoplastic Syndromes, Hereditary; Tumor predisposition. Identifiers: Orphanet 140162, MedGen C0027672, MeSH D009386, MONDO:0015356.

Submission:

Ambry Genetics
Classification: Uncertain significance for Hereditary cancer-predisposing syndrome. Last evaluated: 2025-10-30. Review status: criteria provided, single submitter. Criteria: Ambry Variant Classification Scheme 2023. Collection method: clinical testing. Allele origin: germline.
Comment: The p.Q460K variant (also known as c.1378C>A), located in coding exon 10 of the NBN gene, results from a C to A substitution at nucleotide position 1378. The glutamine at codon 460 is replaced by lysine, an amino acid with similar properties. This amino acid position is conserved. In addition, this alteration is predicted to be tolerated by in silico analysis. Since supporting evidence is limited at this time, the clinical significance of this alteration remains unclear.